The following is an entry in ClinVar:

NM_017617.5(NOTCH1):c.7046C>T (p.Pro2349Leu)

Gene: NOTCH1 (notch receptor 1; minus strand). Cytogenetic location: 9q34.3.
Variant type: single nucleotide variant.
Coding change: c.7046C>T on transcript NM_017617.5 (MANE Select); coding-DNA position 7046, C replaced by T.
Protein change: p.Pro2349Leu; replaces proline 2349 with leucine.
Molecular consequence: missense variant.
Genome position (GRCh38, 1-based): chr9:136,496,693, G>A on the plus strand (C>T on the coding strand, the complement: NOTCH1 is on the minus strand). VCF-style: chr9-136496693-G-A. GRCh37 (hg19) VCF-style: chr9-139391145-G-A.
Other names: short protein forms P2349L.
Identifiers: ClinVar variation 1301283 (VCV001301283.9), dbSNP rs540165156, ClinGen allele CA5339763.

ClinVar aggregate classification (germline): Conflicting classifications of pathogenicity. Review status: criteria provided, conflicting classifications (1 of 4 stars). 3 submissions from 3 submitters: Uncertain significance (2); Benign (1). Last evaluated 2025-10-14.

Conditions:
Adams-Oliver syndrome 5 (AOS5). Identifiers: Orphanet 974, MedGen C4014970, MONDO:0014459, OMIM 616028.
Familial thoracic aortic aneurysm and aortic dissection (TAAD). Also called: Thoracic aortic aneurysms and dissections. Identifiers: Orphanet 91387, MedGen C4707243, MONDO:0019625.

Allele frequency attached by ClinVar (database versions not stated): gnomAD 0.00001; gnomAD exomes 0.00003 and 0.00005; TOPMed 0.00003; ExAC 0.00008; 1000 Genomes Project 0.00020; 1000 Genomes Project 30x 0.00031.
gnomAD v4.1: 48 of 1,612,846 alleles (0.003%); highest among the groups gnomAD compares: South Asian, 0.026%; no homozygotes.

Submissions (3):

GeneDx
Classification: Uncertain significance. Last evaluated: 2025-10-14. Review status: criteria provided, single submitter. Criteria: GeneDx Variant Classification Process June 2021. Collection method: clinical testing. Allele origin: germline. Affected: yes.
Comment: Has not been previously published as pathogenic or benign to our knowledge; In silico analysis supports that this missense variant has a deleterious effect on protein structure/function

Labcorp Genetics (formerly Invitae), Labcorp
Classification: Benign for Adams-Oliver syndrome 5. Last evaluated: 2025-08-09. Review status: criteria provided, single submitter. Criteria: Invitae Variant Classification Sherloc (09022015). Collection method: clinical testing. Allele origin: germline.

CHEO Genetics Diagnostic Laboratory, Children's Hospital of Eastern Ontario
Classification: Uncertain significance for Familial thoracic aortic aneurysm and aortic dissection. Last evaluated: 2022-10-05. Review status: criteria provided, single submitter. Criteria: ACMG Guidelines, 2015. Collection method: clinical testing. Allele origin: germline.